The following is an entry in ClinVar:

NM_018297.4(NGLY1):c.1171T>C (p.Tyr391His)

Gene: NGLY1 (N-glycanase 1; minus strand). Cytogenetic location: 3p24.2.
Variant type: single nucleotide variant.
Coding change: c.1171T>C on transcript NM_018297.4 (MANE Select); coding-DNA position 1171, T replaced by C.
Protein change: p.Tyr391His; replaces tyrosine 391 with histidine.
Molecular consequence: missense variant.
Genome position (GRCh38, 1-based): chr3:25,733,961, A>G on the plus strand (T>C on the coding strand, the complement: NGLY1 is on the minus strand). VCF-style: chr3-25733961-A-G. GRCh37 (hg19) VCF-style: chr3-25775452-A-G.
Other names: c.1117T>C, p.Tyr373His (NM_001145293.2); c.1045T>C, p.Tyr349His (NM_001145294.2); c.1171T>C, p.Tyr391His (NM_001145295.2); short protein forms Y349H, Y373H, Y391H.
Identifiers: ClinVar variation 933909 (VCV000933909.7), dbSNP rs1705687090, ClinGen allele CA351900186.

ClinVar aggregate classification (germline): Uncertain significance (1 of 4 stars; one submission).

Conditions:
Congenital disorder of deglycosylation (CDDG). Identifiers: MedGen C3808991, MONDO:0031376.

Submission:

Labcorp Genetics (formerly Invitae), Labcorp
Classification: Uncertain significance for Congenital disorder of deglycosylation. Last evaluated: 2019-10-01. Review status: criteria provided, single submitter. Criteria: Invitae Variant Classification Sherloc (09022015). Collection method: clinical testing. Allele origin: germline.
Comment: In summary, the available evidence is currently insufficient to determine the role of this variant in disease. Therefore, it has been classified as a Variant of Uncertain Significance. Algorithms developed to predict the effect of missense changes on protein structure and function (SIFT, PolyPhen-2, Align-GVGD) all suggest that this variant is likely to be disruptive, but these predictions have not been confirmed by published functional studies and their clinical significance is uncertain. This variant has not been reported in the literature in individuals with NGLY1-related conditions. This variant is not present in population databases (ExAC no frequency). This sequence change replaces tyrosine with histidine at codon 391 of the NGLY1 protein (p.Tyr391His). The tyrosine residue is highly conserved and there is a moderate physicochemical difference between tyrosine and histidine.